The following is an entry in ClinVar:

ClinVar aggregate classification (germline): Uncertain significance (1 of 4 stars; one submission).

Allele frequency attached by ClinVar (database versions not stated): TOPMed below 0.00001; gnomAD 0.00001; gnomAD exomes 0.00001.
gnomAD v4.1: 20 of 1,609,484 alleles (0.0012%); highest among the groups gnomAD compares: Non-Finnish European, 0.0017%; no homozygotes.

Submission:

Labcorp Genetics (formerly Invitae), Labcorp
Classification: Uncertain significance. Last evaluated: 2022-03-20. Review status: criteria provided, single submitter. Criteria: Invitae Variant Classification Sherloc (09022015). Collection method: clinical testing. Allele origin: germline.
Comment: The COL18A1 gene has multiple clinically relevant transcripts. This variant occurs in alternate transcript NM_030582.3, and corresponds to NM_130445.3:c.107-12209T>C in the primary transcript. This sequence change replaces leucine, which is neutral and non-polar, with proline, which is neutral and non-polar, at codon 168 of the COL18A1 protein (p.Leu168Pro). This variant is not present in population databases (gnomAD no frequency). This variant has not been reported in the literature in individuals affected with COL18A1-related conditions. Experimental studies and prediction algorithms are not available or were not evaluated, and the functional significance of this variant is currently unknown. In summary, the available evidence is currently insufficient to determine the role of this variant in disease. Therefore, it has been classified as a Variant of Uncertain Significance.

NM_001379500.1(COL18A1):c.107-12209T>C

Gene: COL18A1 (collagen type XVIII alpha 1 chain; plus strand). Cytogenetic location: 21q22.3.
Variant type: single nucleotide variant.
Coding change: c.107-12209T>C on transcript NM_001379500.1 (MANE Select); 12209 bases into the intron before coding-DNA position 107, T replaced by C.
Molecular consequence: intron variant. On other transcripts: missense variant (2).
Genome position (GRCh38, 1-based): chr21:45,456,033, T>C. VCF-style: chr21-45456033-T-C. GRCh37 (hg19) VCF-style: chr21-46875947-T-C.
Other names: c.503T>C, p.Leu168Pro (NM_030582.4, NM_130444.3); short protein forms L168P.
Identifiers: ClinVar variation 1360421 (VCV001360421.3), dbSNP rs1248747342, ClinGen allele CA410506248.